The following is an entry in ClinVar:

NM_006940.6(SOX5):c.1993C>G (p.Gln665Glu)

Gene: SOX5 (SRY-box transcription factor 5; minus strand). Cytogenetic location: 12p12.1.
Variant type: single nucleotide variant.
Coding change: c.1993C>G on transcript NM_006940.6 (MANE Select); coding-DNA position 1993, C replaced by G.
Protein change: p.Gln665Glu; replaces glutamine 665 with glutamic acid.
Molecular consequence: missense variant.
Genome position (GRCh38, 1-based): chr12:23,534,518, G>C on the plus strand (C>G on the coding strand, the complement: SOX5 is on the minus strand). VCF-style: chr12-23534518-G-C. GRCh37 (hg19) VCF-style: chr12-23687452-G-C.
Other names: c.1630C>G, p.Gln544Glu (NM_001261414.3); c.1963C>G, p.Gln655Glu (NM_001261415.3); c.1888C>G, p.Gln630Glu (NM_001330785.2); c.1954C>G, p.Gln652Glu (NM_152989.5); c.835C>G, p.Gln279Glu (NM_178010.4); short protein forms Q279E, Q544E, Q630E, Q652E, Q655E, Q665E.
Identifiers: ClinVar variation 3369757 (VCV003369757.1).

ClinVar aggregate classification (germline): Uncertain significance (1 of 4 stars; one submission).

gnomAD v4.1: 1 of 1,607,964 alleles (0.000062%); highest among the groups gnomAD compares: South Asian, 0.0011%; no homozygotes.

Submission:

GeneDx
Classification: Uncertain significance. Last evaluated: 2024-02-28. Review status: criteria provided, single submitter. Criteria: GeneDx Variant Classification Process June 2021. Collection method: clinical testing. Allele origin: germline. Affected: yes.
Comment: Not observed at significant frequency in large population cohorts (gnomAD); In silico analysis supports that this missense variant does not alter protein structure/function; Has not been previously published as pathogenic or benign to our knowledge